The following is an entry in ClinVar:

ClinVar aggregate classification (germline): Likely pathogenic (1 of 4 stars; one submission).

Conditions:
Metachromatic leukodystrophy (MLD). Also called: METACHROMATIC LEUKOENCEPHALOPATHY; SULFATIDE LIPIDOSIS; Arylsulfatase A Deficiency; Cerebral sclerosis diffuse metachromatic form; ARSA DEFICIENCY; CEREBROSIDE SULFATASE DEFICIENCY. Identifiers: Orphanet 512, MedGen C0023522, MONDO:0018868, OMIM 250100.

Submission:

Labcorp Genetics (formerly Invitae), Labcorp
Classification: Likely pathogenic for Metachromatic leukodystrophy. Last evaluated: 2023-04-20. Review status: criteria provided, single submitter. Criteria: Invitae Variant Classification Sherloc (09022015). Collection method: clinical testing. Allele origin: germline.
Comment: This variant disrupts the p.Pro428 amino acid residue in ARSA. Other variant(s) that disrupt this residue have been determined to be pathogenic (PMID: 1670590, 9090526, 9096767, 11941485, 26462614). This suggests that this residue is clinically significant, and that variants that disrupt this residue are likely to be disease-causing. In summary, the currently available evidence indicates that the variant is pathogenic, but additional data are needed to prove that conclusively. Therefore, this variant has been classified as Likely Pathogenic. Advanced modeling of protein sequence and biophysical properties (such as structural, functional, and spatial information, amino acid conservation, physicochemical variation, residue mobility, and thermodynamic stability) performed at Invitae indicates that this missense variant is expected to disrupt ARSA protein function. This sequence change replaces proline, which is neutral and non-polar, with serine, which is neutral and polar, at codon 428 of the ARSA protein (p.Pro428Ser). This variant is not present in population databases (gnomAD no frequency). This variant has not been reported in the literature in individuals affected with ARSA-related conditions.

Literature cited by the submitters: PubMed 1670590; PubMed 9090526; PubMed 9096767; PubMed 11941485; PubMed 26462614.

NM_000487.6(ARSA):c.1282C>T (p.Pro428Ser)

Gene: ARSA (arylsulfatase A; minus strand). Cytogenetic location: 22q13.33.
Variant type: single nucleotide variant.
Coding change: c.1282C>T on transcript NM_000487.6 (MANE Select); coding-DNA position 1282, C replaced by T.
Protein change: p.Pro428Ser; replaces proline 428 with serine.
Molecular consequence: missense variant.
Genome position (GRCh38, 1-based): chr22:50,625,393, G>A on the plus strand (C>T on the coding strand, the complement: ARSA is on the minus strand). VCF-style: chr22-50625393-G-A. GRCh37 (hg19) VCF-style: chr22-51063821-G-A.
Other names: c.1282C>T, p.Pro428Ser (NM_001085425.3, NM_001085426.3, NM_001085427.3); c.1024C>T, p.Pro342Ser (NM_001085428.3, NM_001362782.2); short protein forms P428S, P342S.
Identifiers: ClinVar variation 2857864 (VCV002857864.3), dbSNP rs2146716603, ClinGen allele CA412168900.